The following is an entry in ClinVar:

ClinVar aggregate classification (germline): Uncertain significance (1 of 4 stars; one submission).

Conditions:
Anauxetic dysplasia. Identifiers: Orphanet 93347, MedGen C1846796, MONDO:0011773.

Submission:

Labcorp Genetics (formerly Invitae), Labcorp
Classification: Uncertain significance for Anauxetic dysplasia. Last evaluated: 2022-08-23. Review status: criteria provided, single submitter. Criteria: Invitae Variant Classification Sherloc (09022015). Collection method: clinical testing. Allele origin: germline.
Comment: This variant has not been reported in the literature in individuals affected with RMRP-related conditions. This variant occurs in the RMRP gene, which encodes an RNA molecule that does not result in a protein product. This variant is not present in population databases (gnomAD no frequency). Experimental studies and prediction algorithms are not available or were not evaluated, and the functional significance of this variant is currently unknown. In summary, the available evidence is currently insufficient to determine the role of this variant in disease. Therefore, it has been classified as a Variant of Uncertain Significance.

NC_000009.12:g.35658074_35658076del

Gene: RMRP (RNA component of mitochondrial RNA processing endoribonuclease; minus strand). Cytogenetic location: 9p13.3.
Variant type: Deletion.
Genome position: GRCh38 VCF-style: chr9-35658071-TATG-T. GRCh37 (hg19) VCF-style: chr9-35658068-TATG-T.
Identifiers: ClinVar variation 1023948 (VCV001023948.9), dbSNP rs1823655436, ClinGen allele CA1846127778.
Genomic context (GRCh38, chr9:35,658,071, plus strand): 5'-CACGAACCACGTCCTCAGCTTCACAGAGTAGTATTTTATAGCCCTAAAGAAATTGTGTTT[TATG>T]ATTAGGGTGAGAAAGTTGGTGGCGTGAGATTAAAAAAACCGTTTTCGGGCATAACTTTCT-3'